The following is an entry in ClinVar:

NM_015213.4(DENND5A):c.2369A>G (p.Asn790Ser)

Gene: DENND5A (DENN domain containing 5A; minus strand). Cytogenetic location: 11p15.4.
Variant type: single nucleotide variant.
Coding change: c.2369A>G on transcript NM_015213.4 (MANE Select); coding-DNA position 2369, A replaced by G.
Protein change: p.Asn790Ser; replaces asparagine 790 with serine.
Molecular consequence: missense variant. On other transcripts: non-coding transcript variant (1).
Genome position (GRCh38, 1-based): chr11:9,160,780, T>C on the plus strand (A>G on the coding strand, the complement: DENND5A is on the minus strand). VCF-style: chr11-9160780-T-C. GRCh37 (hg19) VCF-style: chr11-9182327-T-C.
Other names: c.2369A>G, p.Asn790Ser (NM_001243254.2); c.2297A>G, p.Asn766Ser (NM_001348749.2); c.2081A>G, p.Asn694Ser (NM_001348750.2); short protein forms N766S, N694S, N790S.
Identifiers: ClinVar variation 1353647 (VCV001353647.6), dbSNP rs2136139431, ClinGen allele CA379608104.

ClinVar aggregate classification (germline): Uncertain significance (1 of 4 stars; one submission).

Submission:

Labcorp Genetics (formerly Invitae), Labcorp
Classification: Uncertain significance. Last evaluated: 2024-04-16. Review status: criteria provided, single submitter. Criteria: Invitae Variant Classification Sherloc (09022015). Collection method: clinical testing. Allele origin: germline.
Comment: This sequence change replaces asparagine, which is neutral and polar, with serine, which is neutral and polar, at codon 790 of the DENND5A protein (p.Asn790Ser). This variant is not present in population databases (gnomAD no frequency). This variant has not been reported in the literature in individuals affected with DENND5A-related conditions. ClinVar contains an entry for this variant (Variation ID: 1353647). Advanced modeling of protein sequence and biophysical properties (such as structural, functional, and spatial information, amino acid conservation, physicochemical variation, residue mobility, and thermodynamic stability) has been performed at Invitae for this missense variant, however the output from this modeling did not meet the statistical confidence thresholds required to predict the impact of this variant on DENND5A protein function. In summary, the available evidence is currently insufficient to determine the role of this variant in disease. Therefore, it has been classified as a Variant of Uncertain Significance.